The following is an entry in ClinVar:

ClinVar aggregate classification (germline): Likely benign. Review status: criteria provided, multiple submitters, no conflicts (2 of 4 stars). 2 submissions from 2 submitters: Likely benign (2). Last evaluated 2025-09-27.

Allele frequency attached by ClinVar (database versions not stated): gnomAD exomes below 0.00001; TOPMed 0.00001.
gnomAD v4.1: 5 of 1,608,410 alleles (0.00031%); highest among the groups gnomAD compares: African/African-American, 0.0053%; no homozygotes.

Submissions (2):

Labcorp Genetics (formerly Invitae), Labcorp
Classification: Likely benign. Last evaluated: 2025-09-27. Review status: criteria provided, single submitter. Criteria: Invitae Variant Classification Sherloc (09022015). Collection method: clinical testing. Allele origin: germline.

CeGaT Center for Human Genetics Tuebingen
Classification: Likely benign. Last evaluated: 2024-01-01. Review status: criteria provided, single submitter. Criteria: CeGaT Center For Human Genetics Tuebingen Variant Classification Criteria Version 2. Collection method: clinical testing. Allele origin: germline. Affected: yes. Observed: 1 variant allele.
Comment: ZBTB20: BP4, BP7

NM_001348800.3(ZBTB20):c.747G>A (p.Ala249=)

Gene: ZBTB20 (zinc finger and BTB domain containing 20; minus strand). Cytogenetic location: 3q13.31.
Variant type: single nucleotide variant.
Coding change: c.747G>A on transcript NM_001348800.3 (MANE Select); coding-DNA position 747, G replaced by A.
Protein change: p.Ala249=; no amino-acid change (alanine 249 retained).
Molecular consequence: synonymous variant.
Genome position (GRCh38, 1-based): chr3:114,351,331, C>T on the plus strand (G>A on the coding strand, the complement: ZBTB20 is on the minus strand). VCF-style: chr3-114351331-C-T. GRCh37 (hg19) VCF-style: chr3-114070178-C-T.
Other names: c.747G>A, p.Ala249= (NM_001164342.2, NM_001348803.3, NM_001393393.1 and 1 more transcripts); c.528G>A, p.Ala176= (NM_001164343.2, NM_001164344.4, NM_001164345.4 and 9 more transcripts).
Identifiers: ClinVar variation 3026794 (VCV003026794.23), dbSNP rs1272056633, ClinGen allele CA435196793.